The following is an entry in ClinVar:

NM_006269.2(RP1):c.3608T>C (p.Met1203Thr)

Gene: RP1 (RP1 axonemal microtubule associated; plus strand). Cytogenetic location: 8q12.1.
Variant type: single nucleotide variant.
Coding change: c.3608T>C on transcript NM_006269.2 (MANE Select); coding-DNA position 3608, T replaced by C.
Protein change: p.Met1203Thr; replaces methionine 1203 with threonine.
Molecular consequence: missense variant. On other transcripts: intron variant (1).
Genome position (GRCh38, 1-based): chr8:54,627,490, T>C. VCF-style: chr8-54627490-T-C. GRCh37 (hg19) VCF-style: chr8-55540050-T-C.
Other names: c.787+5202T>C (NM_001375654.1); short protein forms M1203T.
Identifiers: ClinVar variation 1016355 (VCV001016355.8), dbSNP rs1171900860, ClinGen allele CA370996828.

ClinVar aggregate classification (germline): Uncertain significance (1 of 4 stars; one submission).

Submission:

Labcorp Genetics (formerly Invitae), Labcorp
Classification: Uncertain significance. Last evaluated: 2022-07-26. Review status: criteria provided, single submitter. Criteria: Invitae Variant Classification Sherloc (09022015). Collection method: clinical testing. Allele origin: germline.
Comment: This sequence change replaces methionine, which is neutral and non-polar, with threonine, which is neutral and polar, at codon 1203 of the RP1 protein (p.Met1203Thr). This variant is not present in population databases (gnomAD no frequency). This variant has not been reported in the literature in individuals affected with RP1-related conditions. ClinVar contains an entry for this variant (Variation ID: 1016355). Algorithms developed to predict the effect of missense changes on protein structure and function output the following: SIFT: "Tolerated"; PolyPhen-2: "Benign"; Align-GVGD: "Class C0". The threonine amino acid residue is found in multiple mammalian species, which suggests that this missense change does not adversely affect protein function. In summary, the available evidence is currently insufficient to determine the role of this variant in disease. Therefore, it has been classified as a Variant of Uncertain Significance.